The following is an entry in ClinVar:

NM_138370.3(PKDCC):c.228dup (p.Pro77fs)

Gene: PKDCC (protein kinase domain containing, cytoplasmic; plus strand). Cytogenetic location: 2p21.
Variant type: Duplication.
Coding change: c.228dup on transcript NM_138370.3 (MANE Select); coding-DNA position 228, one base duplicated (G; older notation c.228dupG).
Protein change: p.Pro77fs; shifts the reading frame from proline 77.
Molecular consequence: frameshift variant.
Genome position (GRCh38, 1-based): chr2:42,048,427, G duplicated; the last of 3 consecutive G bases (chr2:42,048,425-42,048,427); duplicating any one gives the same sequence. VCF-style (leftmost placement, unchanged base first): chr2-42048424-C-CG. GRCh37 (hg19) VCF-style: chr2-42275564-C-CG.
Other names: short protein forms P77fs.
Identifiers: ClinVar variation 1803946 (VCV001803946.2), dbSNP rs2465740345, ClinGen allele CA2580066457.

ClinVar aggregate classification (germline): Likely pathogenic (1 of 4 stars; one submission).

Conditions:
Rhizomelic limb shortening with dysmorphic features. Identifiers: MedGen C5394173, MONDO:0032935, OMIM 618821.

Submission:

Clinical and Biomedical Sciences, University of Exeter
Classification: Likely pathogenic for Rhizomelic limb shortening with dysmorphic features. Last evaluated: 2022-11-28. Review status: criteria provided, single submitter. Criteria: ACMG Guidelines, 2015. Collection method: clinical testing. Allele origin: biparental. Inheritance: Autosomal recessive inheritance. Affected: yes. Observed: 1 homozygote. Study: 100,000 Genomes Project.
Comment: Sajan et al. (2019) reported 2 unrelated patients with rhizomelic limb shortening, variable dysmorphic features and biallelic predicted loss of function variants in PKDCC. Short limbs were previously described in a mouse model (Imuta et al, 2009).

Literature cited by the submitters: PubMed 30478137; PubMed 19097194.